The following is an entry in ClinVar:

ClinVar aggregate classification (germline): Uncertain significance (1 of 4 stars; one submission).

Conditions:
Hereditary cancer-predisposing syndrome. Also called: Hereditary Cancer Syndrome; Hereditary neoplastic syndrome; Neoplastic Syndromes, Hereditary; Tumor predisposition. Identifiers: Orphanet 140162, MedGen C0027672, MeSH D009386, MONDO:0015356.

Allele frequency attached by ClinVar (database versions not stated): gnomAD exomes below 0.00001.
gnomAD v4.1: 1 of 1,613,880 alleles (0.000062%); highest among the groups gnomAD compares: Non-Finnish European, 0.000085%; no homozygotes.

Submission:

Sema4
Classification: Uncertain significance for Hereditary cancer-predisposing syndrome. Last evaluated: 2021-11-15. Review status: criteria provided, single submitter. Criteria: Sema4 Curation Guidelines. Collection method: curation. Allele origin: germline.
Comment: The MET c.2164G>A (p.V722I) variant has not been reported in the literature to our knowledge. It was not observed in the Genome Aggregation Database (PMID: 32461654). The variant has not been reported in ClinVar. Functional studies have not been performed, and in silico predictions of the variant's effect on protein function are inconclusive. The evidence is insufficient to meet ACMG/AMP criteria for classifying the variant as benign or pathogenic. Thus, the clinical significance of this variant is currently uncertain.

NM_000245.4(MET):c.2164G>A (p.Val722Ile)

Gene: MET (MET proto-oncogene, receptor tyrosine kinase; plus strand). Cytogenetic location: 7q31.2.
Variant type: single nucleotide variant.
Coding change: c.2164G>A on transcript NM_000245.4 (MANE Select); coding-DNA position 2164, G replaced by A.
Protein change: p.Val722Ile; replaces valine 722 with isoleucine.
Molecular consequence: missense variant.
Genome position (GRCh38, 1-based): chr7:116,758,520, G>A. VCF-style: chr7-116758520-G-A. GRCh37 (hg19) VCF-style: chr7-116398574-G-A.
Other names: c.2164G>A, p.Val722Ile (NM_001127500.3, NM_001324401.3); c.874G>A, p.Val292Ile (NM_001324402.2); short protein forms V292I, V722I.
Identifiers: ClinVar variation 1692565 (VCV001692565.1), dbSNP rs2116931102, ClinGen allele CA368980587.